The following is an entry in ClinVar:

NM_001793.6(CDH3):c.1331C>T (p.Ser444Phe)

Gene: CDH3 (cadherin 3; plus strand). Cytogenetic location: 16q22.1.
Variant type: single nucleotide variant.
Coding change: c.1331C>T on transcript NM_001793.6 (MANE Select); coding-DNA position 1331, C replaced by T.
Protein change: p.Ser444Phe; replaces serine 444 with phenylalanine.
Molecular consequence: missense variant.
Genome position (GRCh38, 1-based): chr16:68,684,731, C>T. VCF-style: chr16-68684731-C-T. GRCh37 (hg19) VCF-style: chr16-68718634-C-T.
Other names: c.1331C>T, p.Ser444Phe (NM_001317195.3); c.1166C>T, p.Ser389Phe (NM_001317196.2); short protein forms S444F, S389F.
Identifiers: ClinVar variation 2088344 (VCV002088344.4), dbSNP rs745858136, ClinGen allele CA8129328.

ClinVar aggregate classification (germline): Uncertain significance (1 of 4 stars; one submission).

Allele frequency attached by ClinVar (database versions not stated): ExAC 0.00001; gnomAD 0.00001.
gnomAD v4.1: 1 of 1,614,102 alleles (0.000062%); highest among the groups gnomAD compares: African/African-American, 0.0013%; no homozygotes.

Submission:

Labcorp Genetics (formerly Invitae), Labcorp
Classification: Uncertain significance. Last evaluated: 2025-04-17. Review status: criteria provided, single submitter. Criteria: Invitae Variant Classification Sherloc (09022015). Collection method: clinical testing. Allele origin: germline.
Comment: This sequence change replaces serine, which is neutral and polar, with phenylalanine, which is neutral and non-polar, at codon 444 of the CDH3 protein (p.Ser444Phe). This variant is present in population databases (rs745858136, gnomAD 0.007%). This variant has not been reported in the literature in individuals affected with CDH3-related conditions. ClinVar contains an entry for this variant (Variation ID: 2088344). Invitae Evidence Modeling of protein sequence and biophysical properties (such as structural, functional, and spatial information, amino acid conservation, physicochemical variation, residue mobility, and thermodynamic stability) indicates that this missense variant is not expected to disrupt CDH3 protein function with a negative predictive value of 80%. In summary, the available evidence is currently insufficient to determine the role of this variant in disease. Therefore, it has been classified as a Variant of Uncertain Significance.